The following is an entry in ClinVar:

NM_080632.3(UPF3B):c.869G>A (p.Gly290Glu)

Gene: UPF3B (UPF3B regulator of nonsense mediated mRNA decay; minus strand). Cytogenetic location: Xq24.
Variant type: single nucleotide variant.
Coding change: c.869G>A on transcript NM_080632.3 (MANE Select); coding-DNA position 869, G replaced by A.
Protein change: p.Gly290Glu; replaces glycine 290 with glutamic acid.
Molecular consequence: missense variant.
Genome position (GRCh38, 1-based): chrX:119,838,505, C>T on the plus strand (G>A on the coding strand, the complement: UPF3B is on the minus strand). VCF-style: chrX-119838505-C-T. GRCh37 (hg19) VCF-style: chrX-118972468-C-T.
Other names: c.830G>A, p.Gly277Glu (NM_023010.4); short protein forms G277E, G290E.
Identifiers: ClinVar variation 2499273 (VCV002499273.1), dbSNP rs2521515495, ClinGen allele CA414183931.
Genomic context (GRCh38, chrX:119,838,505, plus strand): 5'-CTGAGATTCTCTTTGTCCAATTTCTTGGCTTTTTCTCTTTTGTCCAATTCTTTTTCATCT[C>T]CTTTTTCTGGCTTCTTGAGCAGCTTTAAAGATAAAATGTTTATTTTTATTTTGAAGGCTG-3'
Protein context (NP_542199.1, residues 280-300): QKNLLKKPEK[Gly290Glu]DEKELDKREK

ClinVar aggregate classification (germline): Uncertain significance (1 of 4 stars; one submission).

Submission:

GeneDx
Classification: Uncertain significance. Last evaluated: 2023-03-28. Review status: criteria provided, single submitter. Criteria: GeneDx Variant Classification Process June 2021. Collection method: clinical testing. Allele origin: germline. Affected: yes.
Comment: Not observed at significant frequency in large population cohorts (gnomAD); In silico analysis supports that this missense variant has a deleterious effect on protein structure/function; Has not been previously published as pathogenic or benign to our knowledge